The following is an entry in ClinVar:

ClinVar aggregate classification (germline): Uncertain significance. Review status: criteria provided, multiple submitters, no conflicts (2 of 4 stars). 2 submissions from 2 submitters: Uncertain significance (2). Last evaluated 2026-09-21.

Allele frequency attached by ClinVar (database versions not stated): 1000 Genomes Project 30x 0.00094; ESP Exome Variant Server 0.00015; 1000 Genomes Project 0.00100.
gnomAD v4.1: 377 of 1,613,958 alleles (0.023%); highest among the groups gnomAD compares: African/African-American, 0.044%; no homozygotes.

Submissions (2):

GeneDx
Classification: Uncertain significance. Last evaluated: 2026-09-21. Review status: criteria provided, single submitter. Criteria: GeneDx Variant Classification Process June 2021. Collection method: clinical testing. Allele origin: germline.
Comment: In silico analysis supports that this missense variant does not alter protein structure/function; Has not been previously published as pathogenic or benign to our knowledge

Labcorp Genetics (formerly Invitae), Labcorp
Classification: Uncertain significance. Last evaluated: 2025-06-09. Review status: criteria provided, single submitter. Criteria: Invitae Variant Classification Sherloc (09022015). Collection method: clinical testing. Allele origin: germline.
Comment: This sequence change replaces valine, which is neutral and non-polar, with methionine, which is neutral and non-polar, at codon 412 of the H6PD protein (p.Val412Met). This variant is present in population databases (rs201017402, gnomAD 0.07%). This variant has not been reported in the literature in individuals affected with H6PD-related conditions. ClinVar contains an entry for this variant (Variation ID: 1426010). Invitae Evidence Modeling of protein sequence and biophysical properties (such as structural, functional, and spatial information, amino acid conservation, physicochemical variation, residue mobility, and thermodynamic stability) indicates that this missense variant is not expected to disrupt H6PD protein function with a negative predictive value of 80%. In summary, the available evidence is currently insufficient to determine the role of this variant in disease. Therefore, it has been classified as a Variant of Uncertain Significance.

NM_004285.4(H6PD):c.1234G>A (p.Val412Met)

Gene: H6PD (hexose-6-phosphate dehydrogenase/glucose 1-dehydrogenase; plus strand). Cytogenetic location: 1p36.22.
Variant type: single nucleotide variant.
Coding change: c.1234G>A on transcript NM_004285.4 (MANE Select); coding-DNA position 1234, G replaced by A.
Protein change: p.Val412Met; replaces valine 412 with methionine.
Molecular consequence: missense variant.
Genome position (GRCh38, 1-based): chr1:9,263,727, G>A. VCF-style: chr1-9263727-G-A. GRCh37 (hg19) VCF-style: chr1-9323786-G-A.
Other names: c.1267G>A, p.Val423Met (NM_001282587.2); c.1234G>A (NM_004285.3); short protein forms V423M, V412M.
Identifiers: ClinVar variation 1426010 (VCV001426010.8), dbSNP rs201017402, ClinGen allele CA575245.